The following is an entry in ClinVar:

ClinVar aggregate classification (germline): Uncertain significance. Review status: criteria provided, multiple submitters, no conflicts (2 of 4 stars). 2 submissions from 2 submitters: Uncertain significance (2). Last evaluated 2019-08-14.

Conditions:
Intellectual developmental disorder, autosomal recessive 46. Also called: Intellectual disability, autosomal recessive 46. Identifiers: Orphanet 88616, MedGen C4015283, MONDO:0014499, OMIM 616116.

Allele frequency attached by ClinVar (database versions not stated): TOPMed 0.00002.
gnomAD v4.1: 3 of 1,612,262 alleles (0.00019%); highest among the groups gnomAD compares: Non-Finnish European, 0.00025%; no homozygotes.

Submissions (2):

GeneDx
Classification: Uncertain significance. Last evaluated: 2019-08-14. Review status: criteria provided, single submitter. Criteria: GeneDx Variant Classification Process June 2021. Collection method: clinical testing. Allele origin: germline. Affected: yes.
Comment: Not observed at a significant frequency in large population cohorts (Lek et al., 2016); In silico analysis, which includes protein predictors and evolutionary conservation, supports a deleterious effect; Has not been previously published as pathogenic or benign to our knowledge

Geisinger Autism and Developmental Medicine Institute, Geisinger Health System
Classification: Uncertain significance for Intellectual developmental disorder, autosomal recessive 46. Last evaluated: 2017-10-11. Review status: criteria provided, single submitter. Criteria: ACMG Guidelines, 2015. Collection method: provider interpretation, clinical testing. Allele origin: paternal. Observed: 1 variant allele.
Comment: This particular variant has been reported in the non-Finnish European population at a frequency of 0.0009%. Computational models are inconsistent. This variant is not in either the heparan sulfate N-deacetylase 1 domain or the sulfotransferase domain.

NM_001543.5(NDST1):c.39C>G (p.His13Gln)

Gene: NDST1 (N-deacetylase and N-sulfotransferase 1; plus strand). Cytogenetic location: 5q33.1.
Variant type: single nucleotide variant.
Coding change: c.39C>G on transcript NM_001543.5 (MANE Select); coding-DNA position 39, C replaced by G.
Protein change: p.His13Gln; replaces histidine 13 with glutamine.
Molecular consequence: missense variant.
Genome position (GRCh38, 1-based): chr5:150,521,293, C>G. VCF-style: chr5-150521293-C-G. GRCh37 (hg19) VCF-style: chr5-149900855-C-G.
Other names: c.39C>G, p.His13Gln (NM_001301063.2); short protein forms H13Q.
Identifiers: ClinVar variation 452070 (VCV000452070.5), dbSNP rs777877507, ClinGen allele CA129115800.
Genomic context (GRCh38, chr5:150,521,293, plus strand): 5'-GGCCAAGGTCTCGGAGGCCAGGATGCCTGCCCTGGCATGCCTCCGGAGGCTGTGTCGGCA[C>G]GTGTCCCCGCAGGCTGTCCTTTTCCTGCTGTTCATCTTCTGCCTGTTCAGCGTTTTCATC-3'
Protein context (NP_001534.1, residues 3-23): ALACLRRLCR[His13Gln]VSPQAVLFLL